The following is an entry in ClinVar:

NM_001029883.3(PCARE):c.1470GGA[3] (p.Glu494del)

Gene: PCARE (photoreceptor cilium actin regulator; minus strand). Cytogenetic location: 2p23.2.
Variant type: Microsatellite.
Coding change: c.1470GGA[3] on transcript NM_001029883.3 (MANE Select); three copies in a row of the 3-base unit GGA starting at c.1470; the reference has four copies in a row; one copy, 3 bases deleted.
Protein change: p.Glu494del; deletes glutamic acid 494.
Molecular consequence: inframe deletion.
Genome position (GRCh38, 1-based): chr2:29,072,781-29,072,783, TCC deleted on the plus strand (GGA on the coding strand, the reverse complement: PCARE is on the minus strand); deleting any 3 consecutive bases within chr2:29,072,781-29,072,794 gives the same sequence; the position shown is the placement nearest the transcript's 3' end. VCF-style (leftmost placement, unchanged base first): chr2-29072780-TTCC-T. GRCh37 (hg19) VCF-style: chr2-29295646-TTCC-T.
Other names: short protein forms E494del.
Identifiers: ClinVar variation 1499475 (VCV001499475.7), dbSNP rs757209597, ClinGen allele CA1592413.

ClinVar aggregate classification (germline): Uncertain significance. Review status: criteria provided, multiple submitters, no conflicts (2 of 4 stars). 2 submissions from 2 submitters: Uncertain significance (2). Last evaluated 2025-04-28.

Submissions (2):

Labcorp Genetics (formerly Invitae), Labcorp
Classification: Uncertain significance. Last evaluated: 2025-04-28. Review status: criteria provided, single submitter. Criteria: Invitae Variant Classification Sherloc (09022015). Collection method: clinical testing. Allele origin: germline.
Comment: This variant, c.1479_1481del, results in the deletion of 1 amino acid(s) of the PCARE protein (p.Glu494del), but otherwise preserves the integrity of the reading frame. The frequency data for this variant in the population databases is considered unreliable, as metrics indicate poor data quality at this position in the gnomAD database. This variant has not been reported in the literature in individuals affected with PCARE-related conditions. Experimental studies and prediction algorithms are not available or were not evaluated, and the functional significance of this variant is currently unknown. In summary, the available evidence is currently insufficient to determine the role of this variant in disease. Therefore, it has been classified as a Variant of Uncertain Significance.

Blueprint Genetics
Classification: Uncertain significance. Last evaluated: 2024-06-24. Review status: criteria provided, single submitter. Criteria: ACMG Guidelines, 2015. Collection method: clinical testing. Allele origin: germline.